The following is an entry in ClinVar:

ClinVar aggregate classification (germline): Uncertain significance (1 of 4 stars; one submission).

Conditions:
Hypercholesterolemia, autosomal dominant, 3 (FHCL3). Also called: Familial Hypercholesterolemia, Autosomal Dominant, 3; Familial hypercholesterolemia 3; PCSK9-Related Familial Hypercholesterolemia, Autosomal Dominant. Identifiers: MedGen C1863551, MONDO:0011369, OMIM 603776.

gnomAD v4.1: 2 of 1,613,770 alleles (0.00012%); highest among the groups gnomAD compares: East Asian, 0.0045%; no homozygotes.

Submission:

Labcorp Genetics (formerly Invitae), Labcorp
Classification: Uncertain significance for Hypercholesterolemia, autosomal dominant, 3. Last evaluated: 2025-06-11. Review status: criteria provided, single submitter. Criteria: Invitae Variant Classification Sherloc (09022015). Collection method: clinical testing. Allele origin: germline.
Comment: This sequence change replaces proline, which is neutral and non-polar, with leucine, which is neutral and non-polar, at codon 209 of the PCSK9 protein (p.Pro209Leu). This variant is not present in population databases (gnomAD no frequency). This missense change has been observed in individual(s) with coronary artery disease (PMID: 30526649). Invitae Evidence Modeling of protein sequence and biophysical properties (such as structural, functional, and spatial information, amino acid conservation, physicochemical variation, residue mobility, and thermodynamic stability) has been performed for this missense variant. However, the output from this modeling did not meet the statistical confidence thresholds required to predict the impact of this variant on PCSK9 protein function. In summary, the available evidence is currently insufficient to determine the role of this variant in disease. Therefore, it has been classified as a Variant of Uncertain Significance.

Literature cited by the submitters: PubMed 30526649.

NM_174936.4(PCSK9):c.626C>T (p.Pro209Leu)

Gene: PCSK9 (proprotein convertase subtilisin/kexin type 9; plus strand). Cytogenetic location: 1p32.3.
Variant type: single nucleotide variant.
Coding change: c.626C>T on transcript NM_174936.4 (MANE Select); coding-DNA position 626, C replaced by T.
Protein change: p.Pro209Leu; replaces proline 209 with leucine.
Molecular consequence: missense variant. On other transcripts: non-coding transcript variant (8).
Genome position (GRCh38, 1-based): chr1:55,052,380, C>T. VCF-style: chr1-55052380-C-T. GRCh37 (hg19) VCF-style: chr1-55518053-C-T.
Other names: c.749C>T, p.Pro250Leu (NM_001407240.1); c.626C>T, p.Pro209Leu (NM_001407241.1, NM_001407242.1, NM_001407244.1 and 1 more transcripts); c.569C>T, p.Pro190Leu (NM_001407243.1); c.434C>T, p.Pro145Leu (NM_001407245.1); c.251C>T, p.Pro84Leu (NM_001407246.1); short protein forms P84L, P145L, P209L, P250L, P190L.
Identifiers: ClinVar variation 4736644 (VCV004736644.1).
Genomic context (GRCh38, chr1:55,052,380, plus strand): 5'-TACAGAGTGACCACCGGGAAATCGAGGGCAGGGTCATGGTCACCGACTTCGAGAATGTGC[C>T]CGAGGAGGACGGGACCCGCTTCCACAGACAGGTAAGCACGGCCGTCTGATGGGAGGGCTG-3'
Protein context (NP_777596.2, residues 199-219): RVMVTDFENV[Pro209Leu]EEDGTRFHRQ